The following is an entry in ClinVar:

NM_000051.4(ATM):c.8891C>T (p.Pro2964Leu)

Genes: ATM (ATM serine/threonine kinase; plus strand), C11orf65 (chromosome 11 open reading frame 65; minus strand). Cytogenetic location: 11q22.3.
Variant type: single nucleotide variant.
Coding change: c.8891C>T on transcript NM_000051.4 (MANE Select); coding-DNA position 8891, C replaced by T.
Protein change: p.Pro2964Leu; replaces proline 2964 with leucine.
Molecular consequence: missense variant. On other transcripts: intron variant (2).
Genome position (GRCh38, 1-based): chr11:108,365,122, C>T. VCF-style: chr11-108365122-C-T. GRCh37 (hg19) VCF-style: chr11-108235849-C-T.
Other names: c.8891C>T, p.Pro2964Leu (NM_001351834.2); c.640+20798G>A (NM_001330368.2); c.694+20798G>A (NM_001351110.2); short protein forms P2964L.
Identifiers: ClinVar variation 1765005 (VCV001765005.7), dbSNP rs2137875294, ClinGen allele CA382529758.
Genomic context (GRCh38, chr11:108,365,122, plus strand): 5'-CATATGTTCTCTCTGTTTAGGTCCTTCTATATGATCCACTCTTTGACTGGACCATGAATC[C>T]TTTGAAAGCTTTGTATTTACAGCAGAGGCCGGAAGATGAAACTGAGCTTCACCCTACTCT-3'
Protein context (NP_000042.3, residues 2954-2974): YDPLFDWTMN[Pro2964Leu]LKALYLQQRP

ClinVar aggregate classification (germline): Uncertain significance. Review status: criteria provided, multiple submitters, no conflicts (2 of 4 stars). 2 submissions from 2 submitters: Uncertain significance (2). Last evaluated 2025-02-28.

Conditions:
Ataxia-telangiectasia syndrome (AT). Also called: Ataxia telangiectasia (A-T); LOUIS-BAR SYNDROME; Cerebello-oculocutaneous telangiectasia; Immunodeficiency with ataxia telangiectasia; Ataxia-telangiectasia, complementation group D; AT, COMPLEMENTATION GROUP C. Identifiers: Orphanet 100, MedGen C0004135, MONDO:0008840, OMIM 208900.
Hereditary cancer-predisposing syndrome. Also called: Hereditary neoplastic syndrome; Neoplastic Syndromes, Hereditary; Tumor predisposition; Hereditary Cancer Syndrome. Identifiers: Orphanet 140162, MedGen C0027672, MeSH D009386, MONDO:0015356.

Submissions (2):

Ambry Genetics
Classification: Uncertain significance for Hereditary cancer-predisposing syndrome. Last evaluated: 2025-02-28. Review status: criteria provided, single submitter. Criteria: Ambry Variant Classification Scheme 2023. Collection method: clinical testing. Allele origin: germline.
Comment: The p.P2964L variant (also known as c.8891C>T), located in coding exon 61 of the ATM gene, results from a C to T substitution at nucleotide position 8891. The proline at codon 2964 is replaced by leucine, an amino acid with similar properties. This amino acid position is highly conserved in available vertebrate species. In addition, this alteration is predicted to be deleterious by in silico analysis. Based on the available evidence, the clinical significance of this variant remains unclear.

Labcorp Genetics (formerly Invitae), Labcorp
Classification: Uncertain significance for Ataxia-telangiectasia syndrome. Last evaluated: 2022-02-28. Review status: criteria provided, single submitter. Criteria: Invitae Variant Classification Sherloc (09022015). Collection method: clinical testing. Allele origin: germline.
Comment: This sequence change replaces proline, which is neutral and non-polar, with leucine, which is neutral and non-polar, at codon 2964 of the ATM protein (p.Pro2964Leu). In summary, the available evidence is currently insufficient to determine the role of this variant in disease. Therefore, it has been classified as a Variant of Uncertain Significance. Advanced modeling of protein sequence and biophysical properties (such as structural, functional, and spatial information, amino acid conservation, physicochemical variation, residue mobility, and thermodynamic stability) performed at Invitae indicates that this missense variant is expected to disrupt ATM protein function. This variant has not been reported in the literature in individuals affected with ATM-related conditions. This variant is not present in population databases (gnomAD no frequency).